The following is an entry in ClinVar:

NM_016507.4(CDK12):c.114G>T (p.Leu38Phe)

Genes: CDK12 (cyclin dependent kinase 12; plus strand), LOC126862553 (CDK7 strongly-dependent group 2 enhancer GRCh37_chr17:37618166-37619365; plus strand). Cytogenetic location: 17q12.
Variant type: single nucleotide variant.
Coding change: c.114G>T on transcript NM_016507.4 (MANE Select); coding-DNA position 114, G replaced by T.
Protein change: p.Leu38Phe; replaces leucine 38 with phenylalanine.
Molecular consequence: missense variant.
Genome position (GRCh38, 1-based): chr17:39,462,185, G>T. VCF-style: chr17-39462185-G-T. GRCh37 (hg19) VCF-style: chr17-37618438-G-T.
Other names: c.114G>T, p.Leu38Phe (NM_015083.4); short protein forms L38F.
Identifiers: ClinVar variation 4224193 (VCV004224193.1).

ClinVar aggregate classification (germline): Uncertain significance (1 of 4 stars; one submission).

gnomAD v4.1: 2 of 1,614,216 alleles (0.00012%); highest among the groups gnomAD compares: Middle Eastern, 0.016%; no homozygotes.

Submission:

Ambry Genetics
Classification: Uncertain significance. Last evaluated: 2025-06-19. Review status: criteria provided, single submitter. Criteria: Ambry Variant Classification Scheme 2023. Collection method: clinical testing. Allele origin: germline.
Comment: The p.L38F variant (also known as c.114G>T), located in coding exon 1 of the CDK12 gene, results from a G to T substitution at nucleotide position 114. The leucine at codon 38 is replaced by phenylalanine, an amino acid with highly similar properties. This amino acid position is conserved. In addition, this alteration is predicted to be tolerated by in silico analysis. Based on the available evidence, the clinical significance of this variant remains unclear.